The following is an entry in ClinVar:

ClinVar aggregate classification (germline): Benign/Likely benign. Review status: criteria provided, multiple submitters, no conflicts (2 of 4 stars). 5 submissions from 5 submitters: Benign (3); Likely benign (1). 1 of the submissions does not count toward it. Last evaluated 2026-02-03.

Conditions:
RIGI-related disorder. Also called: RIGI-related condition.

Allele frequency attached by ClinVar (database versions not stated): 1000 Genomes Project 0.04014; 1000 Genomes Project 30x 0.04122; ESP Exome Variant Server 0.06312; TOPMed 0.06426; gnomAD 0.06432 and 0.06497; ExAC 0.07793; gnomAD exomes 0.07957 and 0.08253.
gnomAD v4.1: 125,335 of 1,612,948 alleles (7.8%); highest among the groups gnomAD compares: Admixed American, 16%; 5,685 homozygotes.

Submissions (5):

Labcorp Genetics (formerly Invitae), Labcorp
Classification: Benign. Last evaluated: 2026-02-03. Review status: criteria provided, single submitter. Criteria: Invitae Variant Classification Sherloc (09022015). Collection method: clinical testing. Allele origin: germline.

Blueprint Genetics
Classification: Likely benign. Last evaluated: 2024-11-27. Review status: criteria provided, single submitter. Criteria: ACMG Guidelines, 2015. Collection method: clinical testing. Allele origin: germline.

Unidad de Genómica Garrahan, Hospital de Pediatría Garrahan
Classification: Benign. Last evaluated: 2023-11-14. Review status: criteria provided, single submitter. Criteria: ACMG Guidelines, 2015. Collection method: clinical testing. Allele origin: germline. Affected: no. Observed: 24 variant alleles.
Comment: This variant is classified as Benign based on local population frequency. This variant was detected in 25% of patients studied by a panel of primary immunodeficiencies. Number of patients: 24. Only high quality variants are reported.

Mayo Clinic Laboratories, Mayo Clinic
Classification: Benign. Last evaluated: 2022-09-06. Review status: criteria provided, single submitter. Criteria: ACMG Guidelines, 2015. Collection method: clinical testing. Allele origin: germline. Observed: 60 variant alleles.

PreventionGenetics, part of Exact Sciences
Classification: Benign for RIGI-related condition. Last evaluated: 2019-07-26. Review status: no assertion criteria provided. Collection method: clinical testing. Allele origin: germline. Not counted in ClinVar's aggregate classification.
Comment: This variant is classified as benign based on ACMG/AMP sequence variant interpretation guidelines (Richards et al. 2015 PMID: 25741868, with internal and published modifications).

NM_014314.4(RIGI):c.2709A>G (p.Thr903=)

Gene: RIGI (RNA sensor RIG-I; minus strand). Cytogenetic location: 9p21.1.
Variant type: single nucleotide variant.
Coding change: c.2709A>G on transcript NM_014314.4 (MANE Select); coding-DNA position 2709, A replaced by G.
Protein change: p.Thr903=; no amino-acid change (threonine 903 retained).
Molecular consequence: synonymous variant.
Genome position (GRCh38, 1-based): chr9:32,457,191, T>C on the plus strand (A>G on the coding strand, the complement: RIGI is on the minus strand). VCF-style: chr9-32457191-T-C. GRCh37 (hg19) VCF-style: chr9-32457189-T-C.
Other names: p.Thr903=; c.2703A>G, p.Thr901= (NM_001385907.1); c.2538A>G, p.Thr846= (NM_001385909.1); c.2268A>G, p.Thr756= (NM_001385910.1); c.2100A>G, p.Thr700= (NM_001385912.1); c.2694A>G, p.Thr898= (NM_001385913.1); c.2265A>G, p.Thr755= (NM_001385914.1); c.2709A>G (NM_014314.3).
Identifiers: ClinVar variation 1168035 (VCV001168035.15), dbSNP rs10970987, ClinGen allele CA5019428.
Genomic context (GRCh38, chr9:32,457,191, plus strand): 5'-CATTTCTGCTGGATCAAATGGTATCTTCTCAAAATGAAAGTCCTTCCACTTCGAGTACAG[T>C]GTCTGAACTCCAGTTGCAATATCCTCCACCACAAAACTTTCAATTTTTATAACTGGAATC-3'
Protein context (NP_055129.2, residues 893-913): VVEDIATGVQ[Thr903=]LYSKWKDFHF